The following is an entry in ClinVar:

NM_000038.6(APC):c.3890del (p.Asp1297fs)

Gene: APC (APC regulator of Wnt signaling pathway; plus strand). Cytogenetic location: 5q22.2.
Variant type: Deletion.
Coding change: c.3890del on transcript NM_000038.6 (MANE Select); coding-DNA position 3890, one base deleted (A; older notation c.3890delA).
Protein change: p.Asp1297fs; shifts the reading frame from aspartic acid 1297.
Molecular consequence: frameshift variant. On other transcripts: non-coding transcript variant (2).
Genome position (GRCh38, 1-based): chr5:112,839,484, A deleted. VCF-style (leftmost placement, unchanged base first): chr5-112839483-GA-G. GRCh37 (hg19) VCF-style: chr5-112175180-GA-G.
Other names: c.3890del, p.Asp1297fs (NM_001127510.3, NM_001354895.2, NM_001407450.1); c.3836del, p.Asp1279fs (NM_001127511.3); c.3944del, p.Asp1315fs (NM_001354896.2, NM_001407447.1, NM_001407448.1 and 1 more transcripts); c.3920del, p.Asp1307fs (NM_001354897.2); c.3815del, p.Asp1272fs (NM_001354898.2); c.3806del, p.Asp1269fs (NM_001354899.2); c.3767del, p.Asp1256fs (NM_001354900.2); c.3713del, p.Asp1238fs (NM_001354901.2, NM_001407453.1); and 11 more; short protein forms D1014fs, D1137fs, D1168fs, D1171fs, D1196fs, D1206fs, D1214fs, D1238fs.
Identifiers: ClinVar variation 2584020 (VCV002584020.2), dbSNP rs2533532223, ClinGen allele CA2582341540.

ClinVar aggregate classification (germline): Pathogenic (1 of 4 stars; one submission).

Conditions:
Familial adenomatous polyposis 1 (FAP1). Also called: FAMILIAL ADENOMATOUS POLYPOSIS 1, ATTENUATED; POLYPOSIS, ADENOMATOUS INTESTINAL. Identifiers: MedGen C2713442, MONDO:0021056, OMIM 175100. Disease mechanism: loss of function.

Submission:

Myriad Genetics, Inc.
Classification: Pathogenic for Familial adenomatous polyposis 1. Last evaluated: 2023-05-09. Review status: criteria provided, single submitter. Criteria: Myriad Autosomal Dominant, Autosomal Recessive and X-Linked Classification Criteria (2023). Collection method: clinical testing. Allele origin: unknown.
Comment: This variant is considered pathogenic. This variant creates a frameshift predicted to result in premature protein truncation.